The following is an entry in ClinVar:

ClinVar aggregate classification (germline): Uncertain significance. Review status: criteria provided, multiple submitters, no conflicts (2 of 4 stars). 3 submissions from 3 submitters: Uncertain significance (2). 1 of the submissions does not count toward it. Last evaluated 2025-02-24.

Conditions:
C12orf57-related disorder. Also called: C12orf57-related condition.

Allele frequency attached by ClinVar (database versions not stated): gnomAD exomes 0.00007; ExAC 0.00010; ESP Exome Variant Server 0.00023; gnomAD 0.00048 and 0.00053; TOPMed 0.00050.
gnomAD v4.1: 150 of 1,614,072 alleles (0.0093%); highest among the groups gnomAD compares: African/African-American, 0.16%; no homozygotes.

Submissions (3):

GeneDx
Classification: Uncertain significance. Last evaluated: 2025-02-24. Review status: criteria provided, single submitter. Criteria: GeneDx Variant Classification Process June 2021. Collection method: clinical testing. Allele origin: germline. Affected: yes.
Comment: Nucleotide is not conserved across species and the substitution has no predicted effect on splicing; Has not been previously published as pathogenic or benign to our knowledge; Located in a regulatory region; in the absence of functional studies, the actual effect of this sequence change is unknown

Genetic Services Laboratory, University of Chicago
Classification: Uncertain significance. Last evaluated: 2018-04-05. Review status: criteria provided, single submitter. Criteria: ACMG Guidelines, 2015. Collection method: clinical testing. Allele origin: germline. Affected: no.

PreventionGenetics, part of Exact Sciences
Classification: Likely benign for C12orf57-related condition. Last evaluated: 2019-03-25. Review status: no assertion criteria provided. Collection method: clinical testing. Allele origin: germline. Not counted in ClinVar's aggregate classification.
Comment: This variant is classified as likely benign based on ACMG/AMP sequence variant interpretation guidelines (Richards et al. 2015 PMID: 25741868, with internal and published modifications).

NM_138425.4(C12orf57):c.-4C>T

Gene: C12orf57 (chromosome 12 open reading frame 57; plus strand). Cytogenetic location: 12p13.31.
Variant type: single nucleotide variant.
Coding change: c.-4C>T on transcript NM_138425.4 (MANE Select); 4 bases upstream of the start codon, C replaced by T.
Molecular consequence: 5 prime UTR variant. On other transcripts: non-coding transcript variant (1), intron variant (1).
Genome position (GRCh38, 1-based): chr12:6,944,118, C>T. VCF-style: chr12-6944118-C-T. GRCh37 (hg19) VCF-style: chr12-7053281-C-T.
Other names: c.-4C>T (NM_001301834.1, NM_001301837.2); c.-205C>T (NM_001301838.2); c.14-358C>T (NM_001301836.2, NM_001301836.1).
Identifiers: ClinVar variation 1336592 (VCV001336592.9), dbSNP rs377078607, ClinGen allele CA6421156.